The following is an entry in ClinVar:

ClinVar aggregate classification (germline): Conflicting classifications of pathogenicity. Review status: criteria provided, conflicting classifications (1 of 4 stars). 3 submissions from 3 submitters: Likely pathogenic (2); Uncertain significance (1). Last evaluated 2023-07-07.

Conditions:
Farber lipogranulomatosis (FRBRL). Also called: AC DEFICIENCY; ACID CERAMIDASE DEFICIENCY; CERAMIDASE DEFICIENCY; N-LAURYLSPHINGOSINE DEACYLASE DEFICIENCY; Farber's lipogranulomatosis; Farber's disease. Identifiers: Orphanet 333, MedGen C0268255, MONDO:0009218, OMIM 228000.

Allele frequency attached by ClinVar (database versions not stated): gnomAD exomes below 0.00001.
gnomAD v4.1: 3 of 1,614,168 alleles (0.00019%); highest among the groups gnomAD compares: Non-Finnish European, 0.00025%; no homozygotes.

Submissions (3):

Labcorp Genetics (formerly Invitae), Labcorp
Classification: Likely pathogenic. Last evaluated: 2023-07-07. Review status: criteria provided, single submitter. Criteria: Invitae Variant Classification Sherloc (09022015). Collection method: clinical testing. Allele origin: germline.
Comment: This missense change has been observed in individuals with Farber lipogranulomatosis (PMID: 24355074, 32875576). This variant is also known as c.1046G>A (p.Arg349His). ClinVar contains an entry for this variant (Variation ID: 812497). Advanced modeling of protein sequence and biophysical properties (such as structural, functional, and spatial information, amino acid conservation, physicochemical variation, residue mobility, and thermodynamic stability) performed at Invitae indicates that this missense variant is expected to disrupt ASAH1 protein function. This variant disrupts the p.Arg333 amino acid residue in ASAH1. Other variant(s) that disrupt this residue have been determined to be pathogenic (PMID: 27411168, 28733637). This suggests that this residue is clinically significant, and that variants that disrupt this residue are likely to be disease-causing. In summary, the currently available evidence indicates that the variant is pathogenic, but additional data are needed to prove that conclusively. Therefore, this variant has been classified as Likely Pathogenic. This variant is not present in population databases (gnomAD no frequency). This sequence change replaces arginine, which is basic and polar, with histidine, which is basic and polar, at codon 333 of the ASAH1 protein (p.Arg333His).

Medical Affairs, Dicerna Pharmaceuticals
Classification: Likely pathogenic for Farber lipogranulomatosis. Last evaluated: 2019-06-19. Review status: criteria provided, single submitter. Criteria: ACMG Guidelines, 2015. Collection method: literature only. Allele origin: inherited. Inheritance: Autosomal recessive inheritance. Affected: yes. Observed: 1 variant allele.
Comment: Variant c.998G>A is likely pathogenic based on the following rationale. Patient described in Bashyam et al., 2014, doi: 10.1111/cge.12316 was diagnosed with severe Farber disease characteristic of Type 1 Farber disease described in Gene Reviews. Homozygous c.998G>A variants were identified in the ASAH1 gene and further genetic analysis demonstrated the variants were inherited according to biparental segregation. HANSA software was used to analyze the mutant protein structure resulting in an Arginine to Glycine transition at position 333. It is predicted that variant c998G>A will result in a loss of all H-bonds leading to conformational instability of the catalytic triad. Additionally, 3 patients diagnosed with Farber disease published in Bashyam et al., 2014 and Cozma et al., 2017, DOI:10.1038/s41598-017-06604-2, have similar variants resulting in R333G. Changes at this position appear to have a negative affect on acid ceramidase activity and supports this variant is likely pathogenic.

Both parients are carriers for the R333H (c.998G>A) variant.

Revvity Omics, Revvity
Classification: Uncertain significance. Last evaluated: 2019-06-13. Review status: criteria provided, single submitter. Criteria: ACMG Guidelines, 2015. Collection method: clinical testing. Allele origin: germline.

Literature cited by the submitters: PubMed 24355074 (cited by Labcorp Genetics (formerly Invitae), Labcorp); PubMed 32875576 (cited by Labcorp Genetics (formerly Invitae), Labcorp); PubMed 27411168 (cited by Labcorp Genetics (formerly Invitae), Labcorp); PubMed 28733637 (cited by Labcorp Genetics (formerly Invitae), Labcorp); DOI 10.1111/cge.12316 (cited by Medical Affairs, Dicerna Pharmaceuticals).

NM_177924.5(ASAH1):c.998G>A (p.Arg333His)

Gene: ASAH1 (N-acylsphingosine amidohydrolase 1; minus strand). Cytogenetic location: 8p22.
Variant type: single nucleotide variant.
Coding change: c.998G>A on transcript NM_177924.5 (MANE Select); coding-DNA position 998, G replaced by A.
Protein change: p.Arg333His; replaces arginine 333 with histidine.
Molecular consequence: missense variant.
Genome position (GRCh38, 1-based): chr8:18,059,384, C>T on the plus strand (G>A on the coding strand, the complement: ASAH1 is on the minus strand). VCF-style: chr8-18059384-C-T. GRCh37 (hg19) VCF-style: chr8-17916893-C-T.
Other names: c.980G>A, p.Arg327His (NM_001127505.3); c.803G>A, p.Arg268His (NM_001363743.2); c.1046G>A, p.Arg349His (NM_004315.6); c.998G>A (NM_177924.3); short protein forms R327H, R268H, R333H, R349H.
Identifiers: ClinVar variation 812497 (VCV000812497.9), dbSNP rs1588974098, ClinGen allele CA370427376.